The following is an entry in ClinVar:

NM_004187.5(KDM5C):c.1402-2A>G

Gene: KDM5C (lysine demethylase 5C; minus strand). Cytogenetic location: Xp11.22.
Variant type: single nucleotide variant.
Coding change: c.1402-2A>G on transcript NM_004187.5 (MANE Select); the canonical splice acceptor site of the intron before coding-DNA position 1402, A replaced by G.
Molecular consequence: splice acceptor variant.
Genome position (GRCh38, 1-based): chrX:53,210,859, T>C on the plus strand (A>G on the coding strand, the complement: KDM5C is on the minus strand). VCF-style: chrX-53210859-T-C. GRCh37 (hg19) VCF-style: chrX-53240041-T-C.
Other names: NC_000023.10:g.53240041T>C; c.1399-2A>G (NM_001353982.2, NM_001353979.2, NM_001282622.3); c.1402-2A>G (NM_001353981.2, NM_001353984.2, NM_001353978.3); c.1201-2A>G (NM_001146702.2).
Identifiers: ClinVar variation 280698 (VCV000280698.4), dbSNP rs886041855, ClinGen allele CA10603732.

ClinVar aggregate classification (germline): Pathogenic (1 of 4 stars; one submission).

Submissions (2):

GeneDx
Classification: Pathogenic. Last evaluated: 2019-06-13. Review status: criteria provided, single submitter. Criteria: GeneDx Variant Classification Process June 2021. Collection method: clinical testing. Allele origin: germline. Affected: yes.
Comment: Canonical splice site variant in a gene for which loss-of-function is a known mechanism of disease; Not observed in large population cohorts (Lek et al., 2016); Has not been previously published as pathogenic or benign to our knowledge

Dr. Peter K. Rogan Lab, Western University
No classification provided (evidence only). Condition: Thyroid cancer, nonmedullary, 1. Review status: no classification provided. Collection method: in vitro. Allele origin: not applicable. Functional consequence: skipped exon. Not counted in ClinVar's aggregate classification.